The following is an entry in ClinVar:

ClinVar aggregate classification (germline): Likely pathogenic (1 of 4 stars; one submission).

Conditions:
Arrhythmogenic right ventricular dysplasia 9 (ARVD9). Also called: Arrhythmogenic Right Ventricular Dysplasia/Cardiomyopathy 9; ARRHYTHMOGENIC RIGHT VENTRICULAR DYSPLASIA, FAMILIAL, 9. Identifiers: MedGen C1836906, MONDO:0012180, OMIM 609040.

Submission:

Labcorp Genetics (formerly Invitae), Labcorp
Classification: Likely pathogenic for Arrhythmogenic right ventricular dysplasia 9. Last evaluated: 2022-08-09. Review status: criteria provided, single submitter. Criteria: Invitae Variant Classification Sherloc (09022015). Collection method: clinical testing. Allele origin: germline.
Comment: This variant has not been reported in the literature in individuals affected with PKP2-related conditions. This sequence change affects an acceptor splice site in intron 9 of the PKP2 gene. It is expected to disrupt RNA splicing. Variants that disrupt the donor or acceptor splice site typically lead to a loss of protein function (PMID: 16199547), and loss-of-function variants in PKP2 are known to be pathogenic (PMID: 15489853, 23911551). This variant is not present in population databases (gnomAD no frequency). ClinVar contains an entry for this variant (Variation ID: 1066790). Algorithms developed to predict the effect of sequence changes on RNA splicing suggest that this variant may disrupt the consensus splice site. In summary, the currently available evidence indicates that the variant is pathogenic, but additional data are needed to prove that conclusively. Therefore, this variant has been classified as Likely Pathogenic.

Literature cited by the submitters: PubMed 16199547; PubMed 15489853; PubMed 23911551.

NM_001005242.3(PKP2):c.1840-1G>C

Gene: PKP2 (plakophilin 2; minus strand). Cytogenetic location: 12p11.21.
Variant type: single nucleotide variant.
Coding change: c.1840-1G>C on transcript NM_001005242.3 (MANE Select); the canonical splice acceptor site of the intron before coding-DNA position 1840, G replaced by C.
Molecular consequence: splice acceptor variant.
Genome position (GRCh38, 1-based): chr12:32,821,530, C>G on the plus strand (G>C on the coding strand, the complement: PKP2 is on the minus strand). VCF-style: chr12-32821530-C-G. GRCh37 (hg19) VCF-style: chr12-32974464-C-G.
Other names: c.1675-1G>C (NM_001407156.1); c.1840-1G>C (NM_001407155.1, NM_001407161.1); c.1972-1G>C (NM_004572.4, NM_001407157.1); c.1513-1G>C (NM_001407160.1, NM_001407159.1, NM_001407158.1 and 1 more transcripts).
Identifiers: ClinVar variation 1066790 (VCV001066790.7), dbSNP rs2137774389, ClinGen allele CA384362454.